The following is an entry in ClinVar:

NM_032119.4(ADGRV1):c.14157A>G (p.Leu4719=)

Gene: ADGRV1 (adhesion G protein-coupled receptor V1; plus strand). Cytogenetic location: 5q14.3.
Variant type: single nucleotide variant.
Coding change: c.14157A>G on transcript NM_032119.4 (MANE Select); coding-DNA position 14157, A replaced by G.
Protein change: p.Leu4719=; no amino-acid change (leucine 4719 retained).
Molecular consequence: synonymous variant. On other transcripts: non-coding transcript variant (1).
Genome position (GRCh38, 1-based): chr5:90,790,986, A>G. VCF-style: chr5-90790986-A-G. GRCh37 (hg19) VCF-style: chr5-90086803-A-G.
Identifiers: ClinVar variation 618519 (VCV000618519.12), dbSNP rs779582048, ClinGen allele CA3341679.

ClinVar aggregate classification (germline): Likely benign. Review status: criteria provided, multiple submitters, no conflicts (2 of 4 stars). 2 submissions from 2 submitters: Likely benign (2). Last evaluated 2023-07-18.

Allele frequency attached by ClinVar (database versions not stated): gnomAD exomes 0.00001 and 0.00002; ExAC 0.00003.
gnomAD v4.1: 10 of 1,613,772 alleles (0.00062%); highest among the groups gnomAD compares: South Asian, 0.011%; no homozygotes.

Submissions (2):

Labcorp Genetics (formerly Invitae), Labcorp
Classification: Likely benign. Last evaluated: 2023-07-18. Review status: criteria provided, single submitter. Criteria: Invitae Variant Classification Sherloc (09022015). Collection method: clinical testing. Allele origin: germline.

ARUP Laboratories, Molecular Genetics and Genomics, ARUP Laboratories
Classification: Likely benign. Last evaluated: 2018-02-28. Review status: criteria provided, single submitter. Criteria: ARUP Molecular Germline Variant Investigation Process. Collection method: clinical testing. Allele origin: germline.
Comment: The c.14157A>G; p.Leu4719Leu variant (rs779582048) does not alter the amino acid sequence of the ADGRV1 protein and computational splice site prediction algorithms do not predict a change in the nearest splice site or creation of a cryptic splice site. This variant has not been reported in association with hearing loss in medical literature or in gene specific variation databases. This variant is listed in the genome Aggregation Database (gnomAD) with a South Asian population frequency of 0.02% (identified on 5 out of 30,778 chromosomes). Based on the available information, the c.14157A>G variant is likely to be benign.